The following is an entry in ClinVar:

NM_177433.3(MAGED2):c.290C>G (p.Ala97Gly)

Gene: MAGED2 (MAGE family member D2; plus strand). Cytogenetic location: Xp11.21.
Variant type: single nucleotide variant.
Coding change: c.290C>G on transcript NM_177433.3 (MANE Select); coding-DNA position 290, C replaced by G.
Protein change: p.Ala97Gly; replaces alanine 97 with glycine.
Molecular consequence: missense variant.
Genome position (GRCh38, 1-based): chrX:54,809,966, C>G. VCF-style: chrX-54809966-C-G. GRCh37 (hg19) VCF-style: chrX-54836399-C-G.
Other names: c.290C>G, p.Ala97Gly (NM_014599.6, NM_201222.3); c.290C>G (NM_201222.1); short protein forms A97G.
Identifiers: ClinVar variation 2874012 (VCV002874012.4), dbSNP rs760829080, ClinGen allele CA328937971.

ClinVar aggregate classification (germline): Uncertain significance. Review status: criteria provided, multiple submitters, no conflicts (2 of 4 stars). 2 submissions from 2 submitters: Uncertain significance (2). Last evaluated 2025-07-10.

Conditions:
Inborn genetic diseases. Identifiers: MedGen C0950123, MeSH D030342.

Allele frequency attached by ClinVar (database versions not stated): gnomAD exomes 0.00001.

Submissions (2):

Labcorp Genetics (formerly Invitae), Labcorp
Classification: Uncertain significance. Last evaluated: 2025-07-10. Review status: criteria provided, single submitter. Criteria: Invitae Variant Classification Sherloc (09022015). Collection method: clinical testing. Allele origin: germline.
Comment: This sequence change replaces alanine, which is neutral and non-polar, with glycine, which is neutral and non-polar, at codon 97 of the MAGED2 protein (p.Ala97Gly). This variant is not present in population databases (gnomAD no frequency). This variant has not been reported in the literature in individuals affected with MAGED2-related conditions. ClinVar contains an entry for this variant (Variation ID: 2874012). An algorithm developed to predict the effect of missense changes on protein structure and function (PolyPhen-2) suggests that this variant is likely to be tolerated. In summary, the available evidence is currently insufficient to determine the role of this variant in disease. Therefore, it has been classified as a Variant of Uncertain Significance.

Ambry Genetics
Classification: Uncertain significance for Inborn genetic diseases. Last evaluated: 2025-02-10. Review status: criteria provided, single submitter. Criteria: Ambry Variant Classification Scheme 2023. Collection method: clinical testing. Allele origin: germline.